The following is an entry in ClinVar:

ClinVar aggregate classification (germline): Uncertain significance (1 of 4 stars; one submission).

Conditions:
KBG syndrome (KBGS). Also called: ANKRD11-Related KBG Syndrome. Identifiers: Orphanet 2332, MedGen C0220687, MONDO:0007846, OMIM 148050.

Allele frequency attached by ClinVar (database versions not stated): gnomAD exomes below 0.00001.

Submission:

Labcorp Genetics (formerly Invitae), Labcorp
Classification: Uncertain significance for KBG syndrome. Last evaluated: 2023-10-10. Review status: criteria provided, single submitter. Criteria: Invitae Variant Classification Sherloc (09022015). Collection method: clinical testing. Allele origin: germline.
Comment: This sequence change replaces serine, which is neutral and polar, with asparagine, which is neutral and polar, at codon 2570 of the ANKRD11 protein (p.Ser2570Asn). This variant is not present in population databases (gnomAD no frequency). This variant has not been reported in the literature in individuals affected with ANKRD11-related conditions. Advanced modeling of protein sequence and biophysical properties (such as structural, functional, and spatial information, amino acid conservation, physicochemical variation, residue mobility, and thermodynamic stability) performed at Invitae indicates that this missense variant is not expected to disrupt ANKRD11 protein function. In summary, the available evidence is currently insufficient to determine the role of this variant in disease. Therefore, it has been classified as a Variant of Uncertain Significance.

NM_013275.6(ANKRD11):c.7709G>A (p.Ser2570Asn)

Gene: ANKRD11 (ankyrin repeat domain 11; minus strand). Cytogenetic location: 16q24.3.
Variant type: single nucleotide variant.
Coding change: c.7709G>A on transcript NM_013275.6 (MANE Select); coding-DNA position 7709, G replaced by A.
Protein change: p.Ser2570Asn; replaces serine 2570 with asparagine.
Molecular consequence: missense variant.
Genome position (GRCh38, 1-based): chr16:89,274,818, C>T on the plus strand (G>A on the coding strand, the complement: ANKRD11 is on the minus strand). VCF-style: chr16-89274818-C-T. GRCh37 (hg19) VCF-style: chr16-89341226-C-T.
Other names: c.7709G>A, p.Ser2570Asn (NM_001256182.2, NM_001256183.2); short protein forms S2570N.
Identifiers: ClinVar variation 3006942 (VCV003006942.3), dbSNP rs2544178593, ClinGen allele CA397147454.